The following is an entry in ClinVar:

ClinVar aggregate classification (germline): Uncertain significance (1 of 4 stars; one submission).

Submission:

Labcorp Genetics (formerly Invitae), Labcorp
Classification: Uncertain significance. Last evaluated: 2023-08-04. Review status: criteria provided, single submitter. Criteria: Invitae Variant Classification Sherloc (09022015). Collection method: clinical testing. Allele origin: germline.
Comment: In summary, the available evidence is currently insufficient to determine the role of this variant in disease. Therefore, it has been classified as a Variant of Uncertain Significance. This variant has not been reported in the literature in individuals affected with MYH7B-related conditions. This variant is present in population databases (no rsID available, gnomAD 0.0009%). This sequence change creates a premature translational stop signal (p.Phe404Leufs*4) in the MYH7B gene. It is expected to result in an absent or disrupted protein product. However, the current clinical and genetic evidence is not sufficient to establish whether loss-of-function variants in MYH7B cause disease.

NM_020884.7(MYH7B):c.1086del (p.Phe362fs)

Gene: MYH7B (myosin heavy chain 7B; plus strand). Cytogenetic location: 20q11.22.
Variant type: Deletion.
Coding change: c.1086del on transcript NM_020884.7 (MANE Select); coding-DNA position 1086, one base deleted (T; older notation c.1086delT).
Protein change: p.Phe362fs; shifts the reading frame from phenylalanine 362.
Molecular consequence: frameshift variant.
Genome position (GRCh38, 1-based): chr20:34,987,226, T deleted; the last of 3 consecutive T bases (chr20:34,987,224-34,987,226); deleting any one gives the same sequence. VCF-style (leftmost placement, unchanged base first): chr20-34987223-CT-C. GRCh37 (hg19) VCF-style: chr20-33575026-CT-C.
Other names: short protein forms F362fs.
Identifiers: ClinVar variation 2713823 (VCV002713823.3), dbSNP rs1180999485, ClinGen allele CA635334046.